The following is an entry in ClinVar:

ClinVar aggregate classification (germline): Likely benign. Review status: criteria provided, multiple submitters, no conflicts (2 of 4 stars). 3 submissions from 3 submitters: Likely benign (3). Last evaluated 2025-06-17.

Conditions:
Juvenile polyposis syndrome (JPS). Identifiers: Orphanet 2929, MedGen C0345893, MONDO:0017380, OMIM 174900.
Hereditary cancer-predisposing syndrome. Also called: Hereditary neoplastic syndrome; Tumor predisposition; Neoplastic Syndromes, Hereditary; Hereditary Cancer Syndrome. Identifiers: Orphanet 140162, MedGen C0027672, MeSH D009386, MONDO:0015356.
Juvenile polyposis/hereditary hemorrhagic telangiectasia syndrome (JPHT). Also called: Juvenile Polyposis Syndrome / Hereditary Hemorrhagic Telangiectasia (JPS/HHT); JP/HHT SYNDROME; JUVENILE POLYPOSIS WITH HEREDITARY HEMORRHAGIC TELANGIECTASIA; POLYPOSIS, GENERALIZED JUVENILE, WITH PULMONARY ARTERIOVENOUS MALFORMATION; TELANGIECTASIA, HEREDITARY HEMORRHAGIC, WITH JUVENILE POLYPOSIS COLI. Identifiers: Orphanet 2929, MedGen C1832942, MONDO:0008278, OMIM 175050.

Allele frequency attached by ClinVar (database versions not stated): gnomAD exomes below 0.00001; gnomAD 0.00001; TOPMed 0.00001.
gnomAD v4.1: 3 of 1,601,826 alleles (0.00019%); highest among the groups gnomAD compares: Non-Finnish European, 0.00026%; no homozygotes.

Submissions (3):

Labcorp Genetics (formerly Invitae), Labcorp
Classification: Likely benign for Juvenile polyposis syndrome. Last evaluated: 2025-06-17. Review status: criteria provided, single submitter. Criteria: Invitae Variant Classification Sherloc (09022015). Collection method: clinical testing. Allele origin: germline.

Myriad Genetics, Inc.
Classification: Likely benign for Juvenile polyposis/hereditary hemorrhagic telangiectasia syndrome. Last evaluated: 2025-03-20. Review status: criteria provided, single submitter. Criteria: Myriad Autosomal Dominant, Autosomal Recessive and X-Linked Classification Criteria (2023). Collection method: clinical testing. Allele origin: unknown.
Comment: This variant is considered likely benign. This variant is intronic and is not expected to impact mRNA splicing.

Color Diagnostics, LLC DBA Color Health
Classification: Likely benign for Hereditary cancer-predisposing syndrome. Last evaluated: 2016-06-24. Review status: criteria provided, single submitter. Criteria: ACMG Guidelines, 2015. Collection method: clinical testing. Allele origin: germline.

NM_005359.6(SMAD4):c.956-19T>C

Gene: SMAD4 (SMAD family member 4; plus strand). Cytogenetic location: 18q21.2.
Variant type: single nucleotide variant.
Coding change: c.956-19T>C on transcript NM_005359.6 (MANE Select); 19 bases into the intron before coding-DNA position 956, T replaced by C.
Molecular consequence: intron variant.
Genome position (GRCh38, 1-based): chr18:51,065,404, T>C. VCF-style: chr18-51065404-T-C. GRCh37 (hg19) VCF-style: chr18-48591774-T-C.
Identifiers: ClinVar variation 492504 (VCV000492504.12), dbSNP rs1203972910, ClinGen allele CA629926621.